The following is an entry in ClinVar:

NM_005732.4(RAD50):c.2284C>T (p.Gln762Ter)

Gene: RAD50 (RAD50 double strand break repair protein; plus strand). Cytogenetic location: 5q31.1.
Variant type: single nucleotide variant.
Coding change: c.2284C>T on transcript NM_005732.4 (MANE Select); coding-DNA position 2284, C replaced by T.
Protein change: p.Gln762Ter; replaces glutamine 762 with a stop codon.
Molecular consequence: nonsense.
Genome position (GRCh38, 1-based): chr5:132,603,376, C>T. VCF-style: chr5-132603376-C-T. GRCh37 (hg19) VCF-style: chr5-131939068-C-T.
Other names: short protein forms Q762*.
Identifiers: ClinVar variation 234016 (VCV000234016.11), dbSNP rs876660797, ClinGen allele CA10578559.

ClinVar aggregate classification (germline): Pathogenic. Review status: criteria provided, multiple submitters, no conflicts (2 of 4 stars). 2 submissions from 2 submitters: Pathogenic (2). Last evaluated 2022-12-15.

Conditions:
Hereditary cancer-predisposing syndrome. Also called: Neoplastic Syndromes, Hereditary; Tumor predisposition; Hereditary Cancer Syndrome; Hereditary neoplastic syndrome. Identifiers: Orphanet 140162, MedGen C0027672, MeSH D009386, MONDO:0015356.

gnomAD v4.1: 1 of 1,613,756 alleles (0.000062%); no homozygotes.

Submissions (2):

Labcorp Genetics (formerly Invitae), Labcorp
Classification: Pathogenic for Hereditary cancer-predisposing syndrome. Last evaluated: 2022-12-15. Review status: criteria provided, single submitter. Criteria: Invitae Variant Classification Sherloc (09022015). Collection method: clinical testing. Allele origin: germline.
Comment: This sequence change creates a premature translational stop signal (p.Gln762*) in the RAD50 gene. It is expected to result in an absent or disrupted protein product. Loss-of-function variants in RAD50 are known to be pathogenic (PMID: 19409520). This variant is not present in population databases (gnomAD no frequency). This variant has not been reported in the literature in individuals affected with RAD50-related conditions. ClinVar contains an entry for this variant (Variation ID: 234016). For these reasons, this variant has been classified as Pathogenic.

Ambry Genetics
Classification: Pathogenic for Hereditary cancer-predisposing syndrome. Last evaluated: 2015-09-23. Review status: criteria provided, single submitter. Criteria: Ambry Variant Classification Scheme 2023. Collection method: clinical testing. Allele origin: germline.
Comment: The p.Q762* pathogenic mutation (also known as c.2284C>T), located in coding exon 14 of the RAD50 gene, results from a C to T substitution at nucleotide position 2284. This changes the amino acid from a glutamine to a stop codon within coding exon 14. Since premature stop codons are typically deleterious in nature, this alteration is interpreted as a disease-causing mutation (ACMG Recommendations for Standards for Interpretation and Reporting of Sequence Variations. Revision 2007. Genet Med. 2008;10:294).

Literature cited by the submitters: PubMed 19409520 (cited by Labcorp Genetics (formerly Invitae), Labcorp).